The following is an entry in ClinVar:

ClinVar aggregate classification (germline): Uncertain significance (1 of 4 stars; one submission).

Conditions:
Deficiency of 3-hydroxyacyl-CoA dehydrogenase. Also called: 3-hydroxyacyl-CoA dehydrogenase deficiency; HADH DEFICIENCY. Identifiers: Orphanet 309127, Orphanet 71212, MedGen C1291230, MONDO:0017715, OMIM 231530.

Allele frequency attached by ClinVar (database versions not stated): gnomAD exomes 0.00001 and 0.00008; gnomAD 0.00002 and 0.00003; TOPMed 0.00002; ExAC 0.00012.
gnomAD v4.1: 23 of 1,613,152 alleles (0.0014%); highest among the groups gnomAD compares: East Asian, 0.051%; 1 homozygote.

Submission:

Labcorp Genetics (formerly Invitae), Labcorp
Classification: Uncertain significance for Deficiency of 3-hydroxyacyl-CoA dehydrogenase. Last evaluated: 2022-04-18. Review status: criteria provided, single submitter. Criteria: Invitae Variant Classification Sherloc (09022015). Collection method: clinical testing. Allele origin: germline.
Comment: This sequence change replaces glutamine, which is neutral and polar, with proline, which is neutral and non-polar, at codon 288 of the HADH protein (p.Gln288Pro). This variant is present in population databases (rs751120678, gnomAD 0.1%). This variant has not been reported in the literature in individuals affected with HADH-related conditions. ClinVar contains an entry for this variant (Variation ID: 1060607). Algorithms developed to predict the effect of missense changes on protein structure and function (SIFT, PolyPhen-2, Align-GVGD) all suggest that this variant is likely to be tolerated. In summary, the available evidence is currently insufficient to determine the role of this variant in disease. Therefore, it has been classified as a Variant of Uncertain Significance.

NM_005327.7(HADH):c.863A>C (p.Gln288Pro)

Gene: HADH (hydroxyacyl-CoA dehydrogenase; plus strand). Cytogenetic location: 4q25.
Variant type: single nucleotide variant.
Coding change: c.863A>C on transcript NM_005327.7 (MANE Select); coding-DNA position 863, A replaced by C.
Protein change: p.Gln288Pro; replaces glutamine 288 with proline.
Molecular consequence: missense variant.
Genome position (GRCh38, 1-based): chr4:108,034,275, A>C. VCF-style: chr4-108034275-A-C. GRCh37 (hg19) VCF-style: chr4-108955431-A-C.
Other names: c.914A>C, p.Gln305Pro (NM_001184705.4); c.875A>C, p.Gln292Pro (NM_001331027.2); short protein forms Q288P, Q292P, Q305P.
Identifiers: ClinVar variation 1060607 (VCV001060607.2), dbSNP rs751120678, ClinGen allele CA3037652.